The following is an entry in ClinVar:

NM_017617.5(NOTCH1):c.4222G>A (p.Glu1408Lys)

Gene: NOTCH1 (notch receptor 1; minus strand). Cytogenetic location: 9q34.3.
Variant type: single nucleotide variant.
Coding change: c.4222G>A on transcript NM_017617.5 (MANE Select); coding-DNA position 4222, G replaced by A.
Protein change: p.Glu1408Lys; replaces glutamic acid 1408 with lysine.
Molecular consequence: missense variant.
Genome position (GRCh38, 1-based): chr9:136,505,674, C>T on the plus strand (G>A on the coding strand, the complement: NOTCH1 is on the minus strand). VCF-style: chr9-136505674-C-T. GRCh37 (hg19) VCF-style: chr9-139400126-C-T.
Other names: c.4222G>A, p.Glu1408Lys (LRG_1122t1); short protein forms E1408K.
Identifiers: ClinVar variation 134938 (VCV000134938.8), dbSNP rs587778569, ClinGen allele CA161203.

ClinVar aggregate classification (germline): Benign. Review status: criteria provided, single submitter (1 of 4 stars). 2 submissions from 2 submitters: Benign (1). 1 of the submissions does not count toward it. Last evaluated 2025-12-01.

Conditions:
Adams-Oliver syndrome 5 (AOS5). Identifiers: Orphanet 974, MedGen C4014970, MONDO:0014459, OMIM 616028.

Allele frequency attached by ClinVar (database versions not stated): gnomAD exomes 0.00001 and 0.00002; ExAC 0.00004; gnomAD 0.00004; TOPMed 0.00005.
gnomAD v4.1: 22 of 1,610,596 alleles (0.0014%); highest among the groups gnomAD compares: African/African-American, 0.0093%; no homozygotes.

Submissions (2):

Labcorp Genetics (formerly Invitae), Labcorp
Classification: Benign for Adams-Oliver syndrome 5. Last evaluated: 2025-12-01. Review status: criteria provided, single submitter. Criteria: Invitae Variant Classification Sherloc (09022015). Collection method: clinical testing. Allele origin: germline.

ITMI
No classification provided. Condition: AllHighlyPenetrant. Last evaluated: 2013-09-19. Review status: no classification provided. Collection method: reference population. Allele origin: germline. Not counted in ClinVar's aggregate classification.
Comment: Please see associated publication for description of ethnicities

Literature cited by the submitters: PubMed 24728327 (cited by ITMI).